The following is an entry in ClinVar:

NM_001376.5(DYNC1H1):c.344+171C>T

Gene: DYNC1H1 (dynein cytoplasmic 1 heavy chain 1; plus strand). Cytogenetic location: 14q32.31.
Variant type: single nucleotide variant.
Coding change: c.344+171C>T on transcript NM_001376.5 (MANE Select); 171 bases into the intron after coding-DNA position 344, C replaced by T.
Molecular consequence: intron variant.
Genome position (GRCh38, 1-based): chr14:101,975,970, C>T. VCF-style: chr14-101975970-C-T. GRCh37 (hg19) VCF-style: chr14-102442307-C-T.
Identifiers: ClinVar variation 670477 (VCV000670477.1), dbSNP rs2720199, ClinGen allele CA266970485.

ClinVar aggregate classification (germline): Benign (1 of 4 stars; one submission).

Allele frequency attached by ClinVar (database versions not stated): gnomAD 0.02950 and 0.03017; TOPMed 0.03186; 1000 Genomes Project 0.03435; 1000 Genomes Project 30x 0.03560.
gnomAD v4.1: 4,414 of 150,762 alleles (2.9%); highest among the groups gnomAD compares: African/African-American, 8.5%; 146 homozygotes.

Submission:

GeneDx
Classification: Benign. Last evaluated: 2018-06-14. Review status: criteria provided, single submitter. Criteria: GeneDx Variant Classification (06012015). Collection method: clinical testing. Allele origin: germline. Affected: yes.
Comment: This variant is considered likely benign or benign based on one or more of the following criteria: it is a conservative change, it occurs at a poorly conserved position in the protein, it is predicted to be benign by multiple in silico algorithms, and/or has population frequency not consistent with disease.